The following is an entry in ClinVar:

NM_003590.5(CUL3):c.1238A>T (p.Asp413Val)

Gene: CUL3 (cullin 3; minus strand). Cytogenetic location: 2q36.2.
Variant type: single nucleotide variant.
Coding change: c.1238A>T on transcript NM_003590.5 (MANE Select); coding-DNA position 1238, A replaced by T.
Protein change: p.Asp413Val; replaces aspartic acid 413 with valine.
Molecular consequence: missense variant.
Genome position (GRCh38, 1-based): chr2:224,503,791, T>A on the plus strand (A>T on the coding strand, the complement: CUL3 is on the minus strand). VCF-style: chr2-224503791-T-A. GRCh37 (hg19) VCF-style: chr2-225368508-T-A.
Other names: c.1040A>T, p.Asp347Val (NM_001257197.2); c.1256A>T, p.Asp419Val (NM_001257198.2); short protein forms D347V, D413V, D419V.
Identifiers: ClinVar variation 4747300 (VCV004747300.1).

ClinVar aggregate classification (germline): Uncertain significance (1 of 4 stars; one submission).

Submission:

Labcorp Genetics (formerly Invitae), Labcorp
Classification: Uncertain significance. Last evaluated: 2025-11-03. Review status: criteria provided, single submitter. Criteria: Invitae Variant Classification Sherloc (09022015). Collection method: clinical testing. Allele origin: germline.
Comment: This sequence change replaces aspartic acid, which is acidic and polar, with valine, which is neutral and non-polar, at codon 413 of the CUL3 protein (p.Asp413Val). This variant is not present in population databases (gnomAD no frequency). This variant has not been reported in the literature in individuals affected with CUL3-related conditions. Invitae Evidence Modeling of protein sequence and biophysical properties (such as structural, functional, and spatial information, amino acid conservation, physicochemical variation, residue mobility, and thermodynamic stability) indicates that this missense variant is expected to disrupt CUL3 protein function with a positive predictive value of 95%. Algorithms developed to predict the effect of sequence changes on RNA splicing suggest that this variant may disrupt the consensus splice site. In summary, the available evidence is currently insufficient to determine the role of this variant in disease. Therefore, it has been classified as a Variant of Uncertain Significance.